The following is an entry in ClinVar:

ClinVar aggregate classification (germline): Conflicting classifications of pathogenicity. Review status: criteria provided, conflicting classifications (1 of 4 stars). 2 submissions from 2 submitters: Uncertain significance (1); Likely benign (1). Last evaluated 2024-10-24.

Conditions:
Cardiovascular phenotype. Identifiers: MedGen CN230736.

Allele frequency attached by ClinVar (database versions not stated): ExAC 0.00002; gnomAD 0.00002; gnomAD exomes 0.00002 and 0.00003; TOPMed 0.00005.
gnomAD v4.1: 14 of 1,606,048 alleles (0.00087%); highest among the groups gnomAD compares: Admixed American, 0.02%; no homozygotes.

Submissions (2):

Labcorp Genetics (formerly Invitae), Labcorp
Classification: Likely benign. Last evaluated: 2024-10-24. Review status: criteria provided, single submitter. Criteria: Invitae Variant Classification Sherloc (09022015). Collection method: clinical testing. Allele origin: germline.

Ambry Genetics
Classification: Uncertain significance for Cardiovascular phenotype. Last evaluated: 2021-09-07. Review status: criteria provided, single submitter. Criteria: Ambry Variant Classification Scheme 2023. Collection method: clinical testing. Allele origin: germline.
Comment: The p.N1975I variant (also known as c.5924A>T), located in coding exon 43 of the ABCA1 gene, results from an A to T substitution at nucleotide position 5924. The asparagine at codon 1975 is replaced by isoleucine, an amino acid with dissimilar properties. This amino acid position is conserved. In addition, the in silico prediction for this alteration is inconclusive. Since supporting evidence is limited at this time, the clinical significance of this alteration remains unclear.

NM_005502.4(ABCA1):c.5924A>T (p.Asn1975Ile)

Gene: ABCA1 (ATP binding cassette subfamily A member 1; minus strand). Cytogenetic location: 9q31.1.
Variant type: single nucleotide variant.
Coding change: c.5924A>T on transcript NM_005502.4 (MANE Select); coding-DNA position 5924, A replaced by T.
Protein change: p.Asn1975Ile; replaces asparagine 1975 with isoleucine.
Molecular consequence: missense variant.
Genome position (GRCh38, 1-based): chr9:104,790,925, T>A on the plus strand (A>T on the coding strand, the complement: ABCA1 is on the minus strand). VCF-style: chr9-104790925-T-A. GRCh37 (hg19) VCF-style: chr9-107553206-T-A.
Other names: short protein forms N1975I.
Identifiers: ClinVar variation 1403986 (VCV001403986.8), dbSNP rs748663329, ClinGen allele CA5167696.